The following is an entry in ClinVar:

NM_015346.4(ZFYVE26):c.2777del (p.Ser926fs)

Gene: ZFYVE26 (zinc finger FYVE-type containing 26; minus strand). Cytogenetic location: 14q24.1.
Variant type: Deletion.
Coding change: c.2777del on transcript NM_015346.4 (MANE Select); coding-DNA position 2777, one base deleted (C; older notation c.2777delC).
Protein change: p.Ser926fs; shifts the reading frame from serine 926.
Molecular consequence: frameshift variant.
Genome position (GRCh38, 1-based): chr14:67,789,577, G deleted on the plus strand (C on the coding strand, the reverse complement: ZFYVE26 is on the minus strand). VCF-style (leftmost placement, unchanged base first): chr14-67789576-AG-A. GRCh37 (hg19) VCF-style: chr14-68256293-AG-A.
Other names: short protein forms S926fs.
Identifiers: ClinVar variation 1375800 (VCV001375800.6), dbSNP rs1300333437, ClinGen allele CA614779133.
Genomic context (GRCh38, chr14:67,789,576, plus strand): 5'-GTCCTCCTGGAGCATGGGGATGGGGTCTCCAGAGGTGTTGAGCAGCTTGTCAGTCACGTC[AG>A]AGATAGAGTAAAACACCATTCCTGGCCGCCCAGCAGAGGAATAAAAAGCAAAGGGTTAAA-3'

ClinVar aggregate classification (germline): Pathogenic (1 of 4 stars; one submission).

Conditions:
Spastic paraplegia. Identifiers: MedGen C0037772, HP:0001258.

Allele frequency attached by ClinVar (database versions not stated): gnomAD 0.00001; TOPMed 0.00002.

Submission:

Labcorp Genetics (formerly Invitae), Labcorp
Classification: Pathogenic for Spastic paraplegia. Last evaluated: 2023-07-17. Review status: criteria provided, single submitter. Criteria: Invitae Variant Classification Sherloc (09022015). Collection method: clinical testing. Allele origin: germline.
Comment: For these reasons, this variant has been classified as Pathogenic. ClinVar contains an entry for this variant (Variation ID: 1375800). This variant has not been reported in the literature in individuals affected with ZFYVE26-related conditions. This variant is present in population databases (no rsID available, gnomAD 0.01%). This sequence change creates a premature translational stop signal (p.Ser926Leufs*3) in the ZFYVE26 gene. It is expected to result in an absent or disrupted protein product. Loss-of-function variants in ZFYVE26 are known to be pathogenic (PMID: 18394578, 19805727).

Literature cited by the submitters: PubMed 18394578; PubMed 19805727.